The following is an entry in ClinVar:

NM_006545.5(NPRL2):c.814+2T>C

Gene: NPRL2 (NPR2 like, GATOR1 complex subunit; minus strand). Cytogenetic location: 3p21.31.
Variant type: single nucleotide variant.
Coding change: c.814+2T>C on transcript NM_006545.5 (MANE Select); the canonical splice donor site of the intron after coding-DNA position 814, T replaced by C.
Molecular consequence: splice donor variant.
Genome position (GRCh38, 1-based): chr3:50,348,315, A>G on the plus strand (T>C on the coding strand, the complement: NPRL2 is on the minus strand). VCF-style: chr3-50348315-A-G. GRCh37 (hg19) VCF-style: chr3-50385746-A-G.
Identifiers: ClinVar variation 4531903 (VCV004531903.1).
Genomic context (GRCh38, chr3:50,348,315, plus strand): 5'-GGATCAGCTCATCATGTGGCCCTGCCCTCCCCAAGATGGCTTCCCCCAGAACCCACCACT[A>G]CCTTGCTTGGTCACGTAGGATAGACATGCCTCTTGCAGGGACTTGTCATCTACCAGGTCC-3'

ClinVar aggregate classification (germline): Likely pathogenic (1 of 4 stars; one submission).

Conditions:
Epilepsy, familial focal, with variable foci 2 (FFEVF2). Identifiers: MedGen C4310709, MONDO:0014924, OMIM 617116.

Submission:

Victorian Clinical Genetics Services, Murdoch Childrens Research Institute
Classification: Likely pathogenic for Epilepsy, familial focal, with variable foci 2. Last evaluated: 2024-10-02. Review status: criteria provided, single submitter. Criteria: ACMG Guidelines, 2015. Collection method: clinical testing. Allele origin: germline. Affected: yes.
Comment: This variant is classified as Likely pathogenic. Evidence in support of pathogenic classification: Canonical splice site variant without proven consequence on splicing (no functional evidence available); Variant is absent from gnomAD (v2, v3 and v4); Abnormal splicing is predicted by in silico tool and affected nucleotide is highly conserved. Additional information: This variant is heterozygous; This gene is associated with autosomal dominant disease; An alternative nucleotide change at the same canonical splice site is observed in gnomAD (v4: 1 heterozygote(s), 0 homozygote(s)); This variant has no previous evidence of pathogenicity; No published segregation evidence has been identified for this variant; No published functional evidence has been identified for this variant; No comparable splice site variants have previous evidence for pathogenicity; Loss of function is a known mechanism of disease in this gene and is associated with familial focal epilepsy with variable foci 2 (MIM#617116); The condition associated with this gene has incomplete penetrance (PMIDs: 26505888, 27173016, 28199897); Variants in this gene are known to have variable expressivity. (PMID: 27173016).

Literature cited by the submitters: PubMed 27173016; PubMed 28199897; PubMed 26505888.